The following is an entry in ClinVar:

ClinVar aggregate classification (germline): Uncertain significance. Review status: criteria provided, multiple submitters, no conflicts (2 of 4 stars). 2 submissions from 2 submitters: Uncertain significance (2). Last evaluated 2025-07-15.

Conditions:
Inborn genetic diseases. Identifiers: MedGen C0950123, MeSH D030342.
POMC-related disorder. Also called: POMC-related condition; POMC-related disorders.

Submissions (2):

Ambry Genetics
Classification: Uncertain significance for Inborn genetic diseases. Last evaluated: 2025-07-15. Review status: criteria provided, single submitter. Criteria: Ambry Variant Classification Scheme 2023. Collection method: clinical testing. Allele origin: germline.

PreventionGenetics, part of Exact Sciences
Classification: Uncertain significance for POMC-related condition. Last evaluated: 2025-07-13. Review status: criteria provided, single submitter. Criteria: ACMG Guidelines, 2015. Collection method: clinical testing. Allele origin: germline.
Comment: The POMC c.503C>T variant is predicted to result in the amino acid substitution p.Ser168Leu. To our knowledge, this variant has not been reported in the literature. This variant is reported in 0.0089% of alleles in individuals of African descent in gnomAD. At this time, the clinical significance of this variant is uncertain due to the absence of conclusive functional and genetic evidence.

NM_000939.4(POMC):c.503C>T (p.Ser168Leu)

Gene: POMC (proopiomelanocortin; minus strand). Cytogenetic location: 2p23.3.
Variant type: single nucleotide variant.
Coding change: c.503C>T on transcript NM_000939.4 (MANE Select); coding-DNA position 503, C replaced by T.
Protein change: p.Ser168Leu; replaces serine 168 with leucine.
Molecular consequence: missense variant.
Genome position (GRCh38, 1-based): chr2:25,161,382, G>A on the plus strand (C>T on the coding strand, the complement: POMC is on the minus strand). VCF-style: chr2-25161382-G-A. GRCh37 (hg19) VCF-style: chr2-25384251-G-A.
Other names: c.503C>T (NM_000939.3); c.503C>T, p.Ser168Leu (NM_001035256.3, NM_001319204.2, NM_001319205.2); short protein forms S168L.
Identifiers: ClinVar variation 4141768 (VCV004141768.2).